The following is an entry in ClinVar:

NM_001003694.2(BRPF1):c.784A>C (p.Asn262His)

Gene: BRPF1 (bromodomain and PHD finger containing 1; plus strand). Cytogenetic location: 3p25.3.
Variant type: single nucleotide variant.
Coding change: c.784A>C on transcript NM_001003694.2 (MANE Select); coding-DNA position 784, A replaced by C.
Protein change: p.Asn262His; replaces asparagine 262 with histidine.
Molecular consequence: missense variant. On other transcripts: non-coding transcript variant (1).
Genome position (GRCh38, 1-based): chr3:9,739,183, A>C. VCF-style: chr3-9739183-A-C. GRCh37 (hg19) VCF-style: chr3-9780867-A-C.
Other names: c.784A>C, p.Asn262His (NM_001319049.2, NM_001319050.2, NM_001410704.1 and 1 more transcripts); short protein forms N262H.
Identifiers: ClinVar variation 3370121 (VCV003370121.1).
Genomic context (GRCh38, chr3:9,739,183, plus strand): 5'-CAGGAGATCTTTGAGTACCTAATGGACCGACTGGAGAAGGAGTCGTACTTTGAGAGTCAT[A>C]ATAAAGGCGACCCTAATGCGCTAGTGGACGAGGATGCTGTTTGCTGTATCTGCAATGATG-3'
Protein context (NP_001003694.1, residues 252-272): LEKESYFESH[Asn262His]KGDPNALVDE

ClinVar aggregate classification (germline): Uncertain significance (1 of 4 stars; one submission).

Submission:

GeneDx
Classification: Uncertain significance. Last evaluated: 2023-12-24. Review status: criteria provided, single submitter. Criteria: GeneDx Variant Classification Process June 2021. Collection method: clinical testing. Allele origin: germline. Affected: yes.
Comment: Has not been previously published as pathogenic or benign to our knowledge; Not observed at significant frequency in large population cohorts (gnomAD); In silico analysis supports that this missense variant does not alter protein structure/function